The following is an entry in ClinVar:

ClinVar aggregate classification (germline): Likely benign (1 of 4 stars; one submission).

gnomAD v4.1: 2,467 of 1,614,160 alleles (0.15%); highest among the groups gnomAD compares: Non-Finnish European, 0.19%; 4 homozygotes.

Submission:

CeGaT Center for Human Genetics Tuebingen
Classification: Likely benign. Last evaluated: 2025-05-01. Review status: criteria provided, single submitter. Criteria: CeGaT Center For Human Genetics Tuebingen Variant Classification Criteria Version 2. Collection method: clinical testing. Allele origin: germline. Affected: yes. Observed: 1 variant allele.
Comment: DDX24: BS2

NM_020414.4(DDX24):c.1805G>A (p.Arg602His)

Genes: DDX24 (DEAD-box helicase 24; minus strand), LOC126862030 (CDK7 strongly-dependent group 2 enhancer GRCh37_chr14:94526511-94527710; plus strand). Cytogenetic location: 14q32.12.
Variant type: single nucleotide variant.
Coding change: c.1805G>A on transcript NM_020414.4 (MANE Select); coding-DNA position 1805, G replaced by A.
Protein change: p.Arg602His; replaces arginine 602 with histidine.
Molecular consequence: missense variant.
Genome position (GRCh38, 1-based): chr14:94,060,206, C>T on the plus strand (G>A on the coding strand, the complement: DDX24 is on the minus strand). VCF-style: chr14-94060206-C-T. GRCh37 (hg19) VCF-style: chr14-94526552-C-T.
Other names: short protein forms R602H.
Identifiers: ClinVar variation 3904855 (VCV003904855.10).